The following is an entry in ClinVar:

NM_017999.5(RNF31):c.2075G>A (p.Arg692His)

Gene: RNF31 (ring finger protein 31; plus strand). Cytogenetic location: 14q12.
Variant type: single nucleotide variant.
Coding change: c.2075G>A on transcript NM_017999.5 (MANE Select); coding-DNA position 2075, G replaced by A.
Protein change: p.Arg692His; replaces arginine 692 with histidine.
Molecular consequence: missense variant.
Genome position (GRCh38, 1-based): chr14:24,151,937, G>A. VCF-style: chr14-24151937-G-A. GRCh37 (hg19) VCF-style: chr14-24621146-G-A.
Other names: c.1622G>A, p.Arg541His (NM_001310332.2); short protein forms R541H, R692H.
Identifiers: ClinVar variation 1925700 (VCV001925700.6), dbSNP rs777855826, ClinGen allele CA7125961.

ClinVar aggregate classification (germline): Uncertain significance. Review status: criteria provided, multiple submitters, no conflicts (2 of 4 stars). 2 submissions from 2 submitters: Uncertain significance (2). Last evaluated 2025-08-10.

Allele frequency attached by ClinVar (database versions not stated): ExAC 0.00001; gnomAD 0.00002; gnomAD exomes 0.00002; TOPMed 0.00002.
gnomAD v4.1: 26 of 1,614,022 alleles (0.0016%); highest among the groups gnomAD compares: Middle Eastern, 0.016%; no homozygotes.

Submissions (2):

Labcorp Genetics (formerly Invitae), Labcorp
Classification: Uncertain significance. Last evaluated: 2025-08-10. Review status: criteria provided, single submitter. Criteria: Invitae Variant Classification Sherloc (09022015). Collection method: clinical testing. Allele origin: germline.
Comment: This sequence change replaces arginine, which is basic and polar, with histidine, which is basic and polar, at codon 692 of the RNF31 protein (p.Arg692His). This variant is present in population databases (rs777855826, gnomAD 0.002%). This variant has not been reported in the literature in individuals affected with RNF31-related conditions. ClinVar contains an entry for this variant (Variation ID: 1925700). An algorithm developed to predict the effect of missense changes on protein structure and function (PolyPhen-2) suggests that this variant is likely to be disruptive. In summary, the available evidence is currently insufficient to determine the role of this variant in disease. Therefore, it has been classified as a Variant of Uncertain Significance.

Blueprint Genetics
Classification: Uncertain significance. Last evaluated: 2024-01-24. Review status: criteria provided, single submitter. Criteria: ACMG Guidelines, 2015. Collection method: clinical testing. Allele origin: germline.